The following is an entry in ClinVar:

ClinVar aggregate classification (germline): Uncertain significance (1 of 4 stars; one submission).

Conditions:
Inborn genetic diseases. Identifiers: MedGen C0950123, MeSH D030342.

Allele frequency attached by ClinVar (database versions not stated): gnomAD exomes below 0.00001; gnomAD 0.00001; TOPMed 0.00002.
gnomAD v4.1: 5 of 1,614,084 alleles (0.00031%); highest among the groups gnomAD compares: Admixed American, 0.0033%; no homozygotes.

Submission:

Ambry Genetics
Classification: Uncertain significance for Inborn genetic diseases. Last evaluated: 2023-08-30. Review status: criteria provided, single submitter. Criteria: Ambry Variant Classification Scheme 2023. Collection method: clinical testing. Allele origin: germline.
Comment: The p.Q589E variant (also known as c.1765C>G), located in coding exon 12 of the EPAS1 gene, results from a C to G substitution at nucleotide position 1765. The glutamine at codon 589 is replaced by glutamic acid, an amino acid with highly similar properties. This amino acid position is conserved. In addition, this alteration is predicted to be tolerated by in silico analysis. Since supporting evidence is limited at this time, the clinical significance of this alteration remains unclear.

NM_001430.5(EPAS1):c.1765C>G (p.Gln589Glu)

Gene: EPAS1 (endothelial PAS domain protein 1; plus strand). Cytogenetic location: 2p21.
Variant type: single nucleotide variant.
Coding change: c.1765C>G on transcript NM_001430.5 (MANE Select); coding-DNA position 1765, C replaced by G.
Protein change: p.Gln589Glu; replaces glutamine 589 with glutamic acid.
Molecular consequence: missense variant.
Genome position (GRCh38, 1-based): chr2:46,380,437, C>G. VCF-style: chr2-46380437-C-G. GRCh37 (hg19) VCF-style: chr2-46607576-C-G.
Other names: short protein forms Q589E.
Identifiers: ClinVar variation 1779661 (VCV001779661.3), dbSNP rs1036380027, ClinGen allele CA46566718.
Genomic context (GRCh38, chr2:46,380,437, plus strand): 5'-AACATCTTCCAGCCACTGGCCCCTGTAGCCCCGCACAGTCCCTTCCTCCTGGACAAGTTT[C>G]AGCAGCAGCTGGAGAGCAAGAAGACAGAGCCCGAGCACCGGCCCATGTCCTCCATCTTCT-3'
Protein context (NP_001421.2, residues 579-599): PHSPFLLDKF[Gln589Glu]QQLESKKTEP